The following is an entry in ClinVar:

ClinVar aggregate classification (germline): Pathogenic (1 of 4 stars; one submission).

Submission:

Labcorp Genetics (formerly Invitae), Labcorp
Classification: Pathogenic. Last evaluated: 2023-02-24. Review status: criteria provided, single submitter. Criteria: Invitae Variant Classification Sherloc (09022015). Collection method: clinical testing. Allele origin: germline.
Comment: For these reasons, this variant has been classified as Pathogenic. This variant has not been reported in the literature in individuals affected with COL7A1-related conditions. This variant is not present in population databases (gnomAD no frequency). This sequence change creates a premature translational stop signal (p.Pro1889Alafs*27) in the COL7A1 gene. It is expected to result in an absent or disrupted protein product. Loss-of-function variants in COL7A1 are known to be pathogenic (PMID: 16971478).

Literature cited by the submitters: PubMed 16971478.

NM_000094.4(COL7A1):c.5661_5664dup (p.Pro1889fs)

Gene: COL7A1 (collagen type VII alpha 1 chain; minus strand). Cytogenetic location: 3p21.31.
Variant type: Duplication.
Coding change: c.5661_5664dup on transcript NM_000094.4 (MANE Select); coding-DNA positions 5661 to 5664, 4 bases duplicated (GCCT; older notation c.5661_5664dupGCCT).
Protein change: p.Pro1889fs; shifts the reading frame from proline 1889.
Molecular consequence: frameshift variant.
Genome position (GRCh38, 1-based): chr3:48,576,712-48,576,715, AGGC duplicated on the plus strand (GCCT on the coding strand, the reverse complement: COL7A1 is on the minus strand). VCF-style (leftmost placement, unchanged base first): chr3-48576711-G-GAGGC. GRCh37 (hg19) VCF-style: chr3-48614144-G-GAGGC.
Other names: short protein forms P1889fs.
Identifiers: ClinVar variation 2840513 (VCV002840513.3), dbSNP rs2531003780, ClinGen allele CA2739279105.